The following is an entry in ClinVar:

ClinVar aggregate classification (germline): Uncertain significance (1 of 4 stars; one submission).

Conditions:
Early-infantile DEE. Also called: Early infantile epileptic encephalopathy; Ohtahara syndrome; Early infantile epileptic encephalopathy with suppression bursts. Identifiers: Orphanet 1934, MedGen C0393706, MONDO:0800491.

Submission:

Labcorp Genetics (formerly Invitae), Labcorp
Classification: Uncertain significance for Early-infantile DEE. Last evaluated: 2019-06-15. Review status: criteria provided, single submitter. Criteria: Invitae Variant Classification Sherloc (09022015). Collection method: clinical testing. Allele origin: germline.
Comment: In summary, the available evidence is currently insufficient to determine the role of this variant in disease. Therefore, it has been classified as a Variant of Uncertain Significance. Algorithms developed to predict the effect of missense changes on protein structure and function (SIFT, PolyPhen-2, Align-GVGD) all suggest that this variant is likely to be disruptive, but these predictions have not been confirmed by published functional studies and their clinical significance is uncertain. This variant has not been reported in the literature in individuals with SCN1A-related conditions. This variant is not present in population databases (ExAC no frequency). This sequence change replaces asparagine with isoleucine at codon 851 of the SCN1A protein (p.Asn851Ile). The asparagine residue is highly conserved and there is a large physicochemical difference between asparagine and isoleucine.

NM_001165963.4(SCN1A):c.2552A>T (p.Asn851Ile)

Gene: SCN1A (sodium voltage-gated channel alpha subunit 1; minus strand). Cytogenetic location: 2q24.3.
Variant type: single nucleotide variant.
Coding change: c.2552A>T on transcript NM_001165963.4 (MANE Select); coding-DNA position 2552, A replaced by T.
Protein change: p.Asn851Ile; replaces asparagine 851 with isoleucine.
Molecular consequence: missense variant. On other transcripts: non-coding transcript variant (1).
Genome position (GRCh38, 1-based): chr2:166,039,460, T>A on the plus strand (A>T on the coding strand, the complement: SCN1A is on the minus strand). VCF-style: chr2-166039460-T-A. GRCh37 (hg19) VCF-style: chr2-166895970-T-A.
Other names: c.2552A>T, p.Asn851Ile (NM_001202435.3, NM_001353948.2); c.2519A>T, p.Asn840Ile (NM_001353949.2, NM_001353950.2, NM_001353951.2 and 2 more transcripts); c.2516A>T, p.Asn839Ile (NM_001353954.2, NM_001353955.2); c.2468A>T, p.Asn823Ile (NM_001353957.2, NM_001353958.2, NM_001165964.3); c.2465A>T, p.Asn822Ile (NM_001353960.2); c.110A>T, p.Asn37Ile (NM_001353961.2); short protein forms N840I, N839I, N37I, N822I, N823I, N851I.
Identifiers: ClinVar variation 946227 (VCV000946227.10), dbSNP rs561912072, ClinGen allele CA349062451.